The following is an entry in ClinVar:

NM_003803.4(MYOM1):c.4883C>T (p.Thr1628Ile)

Gene: MYOM1 (myomesin 1; minus strand). Cytogenetic location: 18p11.31.
Variant type: single nucleotide variant.
Coding change: c.4883C>T on transcript NM_003803.4 (MANE Select); coding-DNA position 4883, C replaced by T.
Protein change: p.Thr1628Ile; replaces threonine 1628 with isoleucine.
Molecular consequence: missense variant.
Genome position (GRCh38, 1-based): chr18:3,067,437, G>A on the plus strand (C>T on the coding strand, the complement: MYOM1 is on the minus strand). VCF-style: chr18-3067437-G-A. GRCh37 (hg19) VCF-style: chr18-3067435-G-A.
Other names: c.4595C>T, p.Thr1532Ile (NM_019856.2); short protein forms T1628I, T1532I.
Identifiers: ClinVar variation 863991 (VCV000863991.10), dbSNP rs2078909787, ClinGen allele CA401705151.

ClinVar aggregate classification (germline): Uncertain significance. Review status: criteria provided, multiple submitters, no conflicts (2 of 4 stars). 2 submissions from 2 submitters: Uncertain significance (2). Last evaluated 2025-04-23.

Conditions:
Hypertrophic cardiomyopathy. Also called: HYPERTROPHIC MYOCARDIOPATHY. Identifiers: Orphanet 217569, MedGen C0007194, MeSH D002312, MONDO:0005045, HP:0001639.

Allele frequency attached by ClinVar (database versions not stated): gnomAD exomes 0.00001.
gnomAD v4.1: 21 of 1,613,722 alleles (0.0013%); highest among the groups gnomAD compares: Non-Finnish European, 0.0017%; no homozygotes.

Submissions (2):

Labcorp Genetics (formerly Invitae), Labcorp
Classification: Uncertain significance for Hypertrophic cardiomyopathy. Last evaluated: 2025-04-23. Review status: criteria provided, single submitter. Criteria: Invitae Variant Classification Sherloc (09022015). Collection method: clinical testing. Allele origin: germline.
Comment: This sequence change replaces threonine, which is neutral and polar, with isoleucine, which is neutral and non-polar, at codon 1628 of the MYOM1 protein (p.Thr1628Ile). This variant is not present in population databases (gnomAD no frequency). This variant has not been reported in the literature in individuals affected with MYOM1-related conditions. ClinVar contains an entry for this variant (Variation ID: 863991). Invitae Evidence Modeling of protein sequence and biophysical properties (such as structural, functional, and spatial information, amino acid conservation, physicochemical variation, residue mobility, and thermodynamic stability) indicates that this missense variant is not expected to disrupt MYOM1 protein function with a negative predictive value of 80%. In summary, the available evidence is currently insufficient to determine the role of this variant in disease. Therefore, it has been classified as a Variant of Uncertain Significance.

Ambry Genetics
Classification: Uncertain significance. Last evaluated: 2024-03-11. Review status: criteria provided, single submitter. Criteria: Ambry Variant Classification Scheme 2023. Collection method: clinical testing. Allele origin: germline.
Comment: The p.T1628I variant (also known as c.4883C>T), located in coding exon 37 of the MYOM1 gene, results from a C to T substitution at nucleotide position 4883. The threonine at codon 1628 is replaced by isoleucine, an amino acid with similar properties. This amino acid position is conserved. In addition, this alteration is predicted to be tolerated by in silico analysis. Based on the available evidence, the clinical significance of this alteration remains unclear.